The following is an entry in ClinVar:

ClinVar aggregate classification (germline): Uncertain significance (1 of 4 stars; one submission).

Conditions:
Hereditary cancer-predisposing syndrome. Also called: Neoplastic Syndromes, Hereditary; Tumor predisposition; Hereditary neoplastic syndrome; Hereditary Cancer Syndrome. Identifiers: Orphanet 140162, MedGen C0027672, MeSH D009386, MONDO:0015356.

Allele frequency attached by ClinVar (database versions not stated): gnomAD exomes below 0.00001.
gnomAD v4.1: 1 of 1,371,492 alleles (0.000073%); highest among the groups gnomAD compares: Non-Finnish European, 0.0001%; no homozygotes.

Submission:

Ambry Genetics
Classification: Uncertain significance for Hereditary cancer-predisposing syndrome. Last evaluated: 2024-01-03. Review status: criteria provided, single submitter. Criteria: Ambry Variant Classification Scheme 2023. Collection method: clinical testing. Allele origin: germline.
Comment: The c.423-31A>G intronic variant results from an A to G substitution 31 nucleotides upstream from coding exon 4 in the APC gene. This nucleotide position is highly conserved in available vertebrate species. In silico splice site analysis predicts that this alteration may weaken the native splice acceptor site. RNA studies have demonstrated that this alteration results in a splice defect; the clinical impact of this abnormal splicing is unknown at this time (Ambry internal data). Since supporting evidence is limited at this time, the clinical significance of this alteration remains unclear.

NM_000038.6(APC):c.423-31A>G

Gene: APC (APC regulator of Wnt signaling pathway; plus strand). Cytogenetic location: 5q22.2.
Variant type: single nucleotide variant.
Coding change: c.423-31A>G on transcript NM_000038.6 (MANE Select); 31 bases into the intron before coding-DNA position 423, A replaced by G.
Molecular consequence: intron variant.
Genome position (GRCh38, 1-based): chr5:112,775,598, A>G. VCF-style: chr5-112775598-A-G. GRCh37 (hg19) VCF-style: chr5-112111295-A-G.
Other names: c.-613-31A>G (NM_001407470.1, NM_001407472.1, NM_001354906.2 and 1 more transcripts); c.423-31A>G (NM_001407447.1, NM_001354895.2, NM_001407456.1 and 16 more transcripts); c.453-31A>G (NM_001407446.1, NM_001354897.2, NM_001354902.2 and 1 more transcripts); c.246-31A>G (NM_001407453.1, NM_001354900.2, NM_001354901.2 and 1 more transcripts); c.348-31A>G (NM_001407451.1, NM_001354898.2, NM_001354904.2).
Identifiers: ClinVar variation 3230456 (VCV003230456.1), dbSNP rs2149613921, ClinGen allele CA2674864954.